The following is an entry in ClinVar:

NM_000346.4(SOX9):c.1255del (p.Ala419fs)

Gene: SOX9 (SRY-box transcription factor 9; plus strand). Cytogenetic location: 17q24.3.
Variant type: Deletion.
Coding change: c.1255del on transcript NM_000346.4 (MANE Select); coding-DNA position 1255, one base deleted (G; older notation c.1255delG).
Protein change: p.Ala419fs; shifts the reading frame from alanine 419.
Molecular consequence: frameshift variant.
Genome position (GRCh38, 1-based): chr17:72,124,112, G deleted. VCF-style (leftmost placement, unchanged base first): chr17-72124111-CG-C. GRCh37 (hg19) VCF-style: chr17-70120252-CG-C.
Other names: short protein forms A419fs.
Identifiers: ClinVar variation 2702605 (VCV002702605.3), dbSNP rs2509627128, ClinGen allele CA2697555122.
Genomic context (GRCh38, chr17:72,124,111, plus strand): 5'-GACGGAGCAGCTGAGCCCCAGCCACTACAGCGAGCAGCAGCAGCACTCGCCCCAACAGAT[CG>C]CCTACAGCCCCTTCAACCTCCCACACTACAGCCCCTCCTACCCGCCCATCACCCGCTCAC-3'

ClinVar aggregate classification (germline): Pathogenic (1 of 4 stars; one submission).

Conditions:
Camptomelic dysplasia (CMPD). Also called: Campomelic Dysplasia; CMPD1/SRA1. Identifiers: Orphanet 140, MedGen C1861922, MONDO:0007251, OMIM 114290.

Submission:

Labcorp Genetics (formerly Invitae), Labcorp
Classification: Pathogenic for Camptomelic dysplasia. Last evaluated: 2023-12-12. Review status: criteria provided, single submitter. Criteria: Invitae Variant Classification Sherloc (09022015). Collection method: clinical testing. Allele origin: germline.
Comment: This sequence change creates a premature translational stop signal (p.Ala419Profs*51) in the SOX9 gene. While this is not anticipated to result in nonsense mediated decay, it is expected to disrupt the last 91 amino acid(s) of the SOX9 protein. This variant is not present in population databases (gnomAD no frequency). This variant has not been reported in the literature in individuals affected with SOX9-related conditions. This variant disrupts a region of the SOX9 protein in which other variant(s) (p.Tyr440*) have been determined to be pathogenic (PMID: 8001137, 9002675, 9452058; Invitae). This suggests that this is a clinically significant region of the protein, and that variants that disrupt it are likely to be disease-causing. For these reasons, this variant has been classified as Pathogenic.

Literature cited by the submitters: PubMed 8001137; PubMed 9002675; PubMed 9452058.